The following is an entry in ClinVar:

ClinVar aggregate classification (germline): Likely pathogenic (1 of 4 stars; one submission).

Conditions:
Ellis-van Creveld syndrome (EVC). Also called: EVC-Related Ellis-van Creveld Syndrome; EVC2-Related Ellis-van Creveld Syndrome; MESOECTODERMAL DYSPLASIA; Chondroectodermal dysplasia. Identifiers: Orphanet 289, MedGen C0013903, MONDO:0009162, OMIM 225500.

Submission:

Myriad Genetics, Inc.
Classification: Likely pathogenic for Ellis-van Creveld syndrome. Last evaluated: 2022-02-12. Review status: criteria provided, single submitter. Criteria: Myriad Women's Health Autosomal Recessive and X-Linked Classification Criteria (2021). Collection method: clinical testing. Allele origin: unknown.
Comment: NM_147127.4(EVC2):c.3043G>T(E1015*) is expected to be pathogenic in the context of EVC2-related Ellis-van Creveld syndrome. This variant is predicted to lead to an abnormal or absent protein product due to the creation of a premature termination codon in EVC2, a gene where loss-of-function variants are known to be pathogenic. Please note: this variant was assessed in the context of healthy population screening.

NM_147127.5(EVC2):c.3043G>T (p.Glu1015Ter)

Gene: EVC2 (EvC ciliary complex subunit 2; minus strand). Cytogenetic location: 4p16.2.
Variant type: single nucleotide variant.
Coding change: c.3043G>T on transcript NM_147127.5 (MANE Select); coding-DNA position 3043, G replaced by T.
Protein change: p.Glu1015Ter; replaces glutamic acid 1015 with a stop codon.
Molecular consequence: nonsense.
Genome position (GRCh38, 1-based): chr4:5,584,637, C>A on the plus strand (G>T on the coding strand, the complement: EVC2 is on the minus strand). VCF-style: chr4-5584637-C-A. GRCh37 (hg19) VCF-style: chr4-5586364-C-A.
Other names: c.2803G>T, p.Glu935Ter (NM_001166136.2); short protein forms E1015*, E935*.
Identifiers: ClinVar variation 1724388 (VCV001724388.2), dbSNP rs2475235098, ClinGen allele CA356153691.
Genomic context (GRCh38, chr4:5,584,637, plus strand): 5'-AAAGACCCAGCTCTGTCCCCCTCTCCTTCCCAGCGCCTGCACTCACCCGGCTGTGCGACT[C>A]CAGGATCTGTGTGCAGGCCGACTTGGTCAGCATCTCAGATGCACTCAGCTCTTCCAGGAG-3'